The following is an entry in ClinVar:

Conditions:
Breast-ovarian cancer, familial, susceptibility to, 1 (BROVCA1). Also called: BRCA1 Hereditary Breast and Ovarian Cancer; OVARIAN CANCER, SUSCEPTIBILITY TO. Identifiers: Orphanet 145, MedGen C2676676, MONDO:0011450, OMIM 604370. Disease mechanism: loss of function.

Submission:

Brotman Baty Institute, University of Washington
No classification provided (evidence only). Condition: Breast-ovarian cancer, familial 1. Review status: no classification provided. Collection method: in vitro. Allele origin: not applicable. Functional consequence: functionally_normal.
ClinVar note: "not provided" was previously submitted as the classification for the variant. However, the classification appeared to be based only on an observation of functional data so it was converted to no classification on 2025-07-30.

NM_007294.4(BRCA1):c.5163G>C (p.Gln1721His)

Gene: BRCA1 (BRCA1 DNA repair associated; minus strand). Cytogenetic location: 17q21.31.
Variant type: single nucleotide variant.
Coding change: c.5163G>C on transcript NM_007294.4 (MANE Select); coding-DNA position 5163, G replaced by C.
Protein change: p.Gln1721His; replaces glutamine 1721 with histidine.
Molecular consequence: missense variant. On other transcripts: non-coding transcript variant (1).
Genome position (GRCh38, 1-based): chr17:43,063,363, C>G on the plus strand (G>C on the coding strand, the complement: BRCA1 is on the minus strand). VCF-style: chr17-43063363-C-G. GRCh37 (hg19) VCF-style: chr17-41215380-C-G.
Other names: c.4950G>C, p.Gln1650His (NM_001407571.1, NM_001407900.1, NM_001407902.1 and 12 more transcripts); c.5229G>C, p.Gln1743His (NM_001407581.1, NM_001407582.1); c.5226G>C, p.Gln1742His (NM_001407583.1, NM_001407585.1, NM_001407587.1 and 1 more transcripts); c.5160G>C, p.Gln1720His (NM_001407610.1, NM_001407611.1, NM_001407612.1 and 17 more transcripts); c.5157G>C, p.Gln1719His (NM_001407629.1, NM_001407630.1, NM_001407631.1 and 14 more transcripts); c.5103G>C, p.Gln1701His (NM_001407649.1); c.5085G>C, p.Gln1695His (NM_001407652.1, NM_001407653.1, NM_001407654.1 and 1 more transcripts); c.5082G>C, p.Gln1694His (NM_001407656.1, NM_001407657.1, NM_001407658.1); and 72 more; short protein forms Q1674H, Q1721H, Q617H, Q1742H, Q1567H, Q1608H, Q1610H, Q1651H.
Identifiers: ClinVar variation 868762 (VCV000868762.3), dbSNP rs1403122031, ClinGen allele CA10591219.